The following is an entry in ClinVar:

NM_001378183.1(PIEZO2):c.3284A>T (p.Glu1095Val)

Gene: PIEZO2 (piezo type mechanosensitive ion channel component 2; minus strand). Cytogenetic location: 18p11.22.
Variant type: single nucleotide variant.
Coding change: c.3284A>T on transcript NM_001378183.1 (MANE Select); coding-DNA position 3284, A replaced by T.
Protein change: p.Glu1095Val; replaces glutamic acid 1095 with valine.
Molecular consequence: missense variant.
Genome position (GRCh38, 1-based): chr18:10,761,077, T>A on the plus strand (A>T on the coding strand, the complement: PIEZO2 is on the minus strand). VCF-style: chr18-10761077-T-A. GRCh37 (hg19) VCF-style: chr18-10761075-T-A.
Other names: c.3284A>T, p.Glu1095Val (NM_001410871.1); c.3209A>T, p.Glu1070Val (NM_022068.4); short protein forms E1070V, E1095V.
Identifiers: ClinVar variation 3901578 (VCV003901578.1).

ClinVar aggregate classification (germline): Uncertain significance (1 of 4 stars; one submission).

Submission:

GeneDx
Classification: Uncertain significance. Last evaluated: 2024-11-29. Review status: criteria provided, single submitter. Criteria: GeneDx Variant Classification Process June 2021. Collection method: clinical testing. Allele origin: germline. Affected: yes.
Comment: Not observed at significant frequency in large population cohorts (gnomAD); In silico analysis supports that this missense variant has a deleterious effect on protein structure/function; Has not been previously published as pathogenic or benign to our knowledge